The following is an entry in ClinVar:

ClinVar aggregate classification (germline): Likely pathogenic (1 of 4 stars; one submission).

Conditions:
Charcot-Marie-Tooth disease type 4. Also called: Charcot-Marie-Tooth, Type 4; Charcot-Marie-Tooth disease, type IV. Identifiers: Orphanet 64749, MedGen C4082197, MONDO:0018995.

Allele frequency attached by ClinVar (database versions not stated): gnomAD exomes below 0.00001; ExAC 0.00001.
gnomAD v4.1: 3 of 1,612,266 alleles (0.00019%); highest among the groups gnomAD compares: African/African-American, 0.0013%; no homozygotes.

Submission:

Labcorp Genetics (formerly Invitae), Labcorp
Classification: Likely pathogenic for Charcot-Marie-Tooth disease type 4. Last evaluated: 2017-12-08. Review status: criteria provided, single submitter. Criteria: Invitae Variant Classification Sherloc (09022015). Collection method: clinical testing. Allele origin: germline.
Comment: Donor and acceptor splice site variants typically lead to a loss of protein function (PMID: 16199547), and loss-of-function variants in SH3TC2 are known to be pathogenic (PMID: 27068304, 20220177 ). In summary, the currently available evidence indicates that the variant is pathogenic, but additional data are needed to prove that conclusively. Therefore, this variant has been classified as Likely Pathogenic. Algorithms developed to predict the effect of sequence changes on RNA splicing suggest that this variant may disrupt the consensus splice site, but this prediction has not been confirmed by published transcriptional studies. This variant has not been reported in the literature in individuals with SH3TC2-related disease. This variant is present in population databases (rs773554464, ExAC 0.01%). This sequence change affects a donor splice site in intron 4 of the SH3TC2 gene. It is expected to disrupt RNA splicing and likely results in an absent or disrupted protein product.

Literature cited by the submitters: PubMed 16199547; PubMed 27068304; PubMed 20220177.

NM_024577.4(SH3TC2):c.385+2T>C

Gene: SH3TC2 (SH3 domain and tetratricopeptide repeats 2; minus strand). Cytogenetic location: 5q32.
Variant type: single nucleotide variant.
Coding change: c.385+2T>C on transcript NM_024577.4 (MANE Select); the canonical splice donor site of the intron after coding-DNA position 385, T replaced by C.
Molecular consequence: splice donor variant.
Genome position (GRCh38, 1-based): chr5:149,044,531, A>G on the plus strand (T>C on the coding strand, the complement: SH3TC2 is on the minus strand). VCF-style: chr5-149044531-A-G. GRCh37 (hg19) VCF-style: chr5-148424094-A-G.
Identifiers: ClinVar variation 543417 (VCV000543417.7), dbSNP rs773554464, ClinGen allele CA3499536.